The following is an entry in ClinVar:

NM_016032.4(ZDHHC9):c.979G>C (p.Ala327Pro)

Gene: ZDHHC9 (zDHHC palmitoyltransferase 9; minus strand). Cytogenetic location: Xq26.1.
Variant type: single nucleotide variant.
Coding change: c.979G>C on transcript NM_016032.4 (MANE Select); coding-DNA position 979, G replaced by C.
Protein change: p.Ala327Pro; replaces alanine 327 with proline.
Molecular consequence: missense variant.
Genome position (GRCh38, 1-based): chrX:129,806,486, C>G on the plus strand (G>C on the coding strand, the complement: ZDHHC9 is on the minus strand). VCF-style: chrX-129806486-C-G. GRCh37 (hg19) VCF-style: chrX-128940462-C-G.
Other names: c.979G>C, p.Ala327Pro (NM_001008222.3); short protein forms A327P.
Identifiers: ClinVar variation 1810586 (VCV001810586.1), dbSNP rs764184460, ClinGen allele CA414579024.

ClinVar aggregate classification (germline): Uncertain significance (1 of 4 stars; one submission).

Submission:

GeneDx
Classification: Uncertain significance. Last evaluated: 2023-01-06. Review status: criteria provided, single submitter. Criteria: GeneDx Variant Classification Process June 2021. Collection method: clinical testing. Allele origin: germline. Affected: yes.
Comment: Not observed in large population cohorts (gnomAD); In silico analysis supports that this missense variant does not alter protein structure/function; Has not been previously published as pathogenic or benign to our knowledge